The following is an entry in ClinVar:

ClinVar aggregate classification (germline): Benign. Review status: criteria provided, multiple submitters, no conflicts (2 of 4 stars). 4 submissions from 4 submitters: Benign (3). 1 of the submissions does not count toward it. Last evaluated 2018-09-05.

Conditions:
Microcephaly 4, primary, autosomal recessive. Identifiers: Orphanet 2512, MedGen C1858516, MONDO:0011437, OMIM 604321.

Allele frequency attached by ClinVar (database versions not stated): ESP Exome Variant Server 0.00059; gnomAD exomes 0.00475; gnomAD 0.00815; TOPMed 0.01062; 1000 Genomes Project 30x 0.02420; 1000 Genomes Project 0.02556.
gnomAD v4.1: 8,528 of 1,613,866 alleles (0.53%); highest among the groups gnomAD compares: East Asian, 8.4%; 313 homozygotes.

Submissions (4):

GeneDx
Classification: Benign. Last evaluated: 2018-09-05. Review status: criteria provided, single submitter. Criteria: GeneDx Variant Classification Process June 2021. Collection method: clinical testing. Allele origin: germline. Affected: yes.

Illumina Laboratory Services, Illumina
Classification: Benign for Microcephaly 4, primary, autosomal recessive. Last evaluated: 2018-01-13. Review status: criteria provided, single submitter. Criteria: ICSL Variant Classification Criteria 13 December 2019. Collection method: clinical testing. Allele origin: germline.
Comment: This variant was observed in the ICSL laboratory as part of a predisposition screen in an ostensibly healthy population. It had not been previously curated by ICSL or reported in the Human Gene Mutation Database (HGMD: prior to June 1st, 2018), and was therefore a candidate for classification through an automated scoring system. Utilizing variant allele frequency, disease prevalence and penetrance estimates, and inheritance mode, an automated score was calculated to assess if this variant is too frequent to cause the disease. Based on the score and internal cut-off values, a variant classified as benign is not then subjected to further curation. The score for this variant resulted in a classification of benign for this disease.

Breakthrough Genomics
Classification: Benign. Review status: criteria provided, single submitter. Criteria: ACMG Guidelines, 2015. Collection method: not provided. Allele origin: germline. Inheritance: Autosomal recessive inheritance. Affected: yes.

Genetic Services Laboratory, University of Chicago
Classification: Likely benign for AllHighlyPenetrant. Review status: no assertion criteria provided. Collection method: clinical testing. Allele origin: germline. Inheritance: Autosomal recessive inheritance. Not counted in ClinVar's aggregate classification.
Comment: Likely benign based on allele frequency in 1000 Genomes Project or ESP global frequency and its presence in a patient with a rare or unrelated disease phenotype. NOT Sanger confirmed.

NM_144508.5(KNL1):c.5151T>C (p.Pro1717=)

Gene: KNL1 (kinetochore scaffold 1; plus strand). Cytogenetic location: 15q15.1.
Variant type: single nucleotide variant.
Coding change: c.5151T>C on transcript NM_144508.5 (MANE Select); coding-DNA position 5151, T replaced by C.
Protein change: p.Pro1717=; no amino-acid change (proline 1717 retained).
Molecular consequence: synonymous variant.
Genome position (GRCh38, 1-based): chr15:40,625,415, T>C. VCF-style: chr15-40625415-T-C. GRCh37 (hg19) VCF-style: chr15-40917613-T-C.
Other names: c.5229T>C, p.Pro1743= (NM_170589.5).
Identifiers: ClinVar variation 128604 (VCV000128604.12), dbSNP rs74377704, ClinGen allele CA152184.